The following is an entry in ClinVar:

ClinVar aggregate classification (germline): Uncertain significance (1 of 4 stars; one submission).

Conditions:
Bethlem myopathy 1A. Also called: Bethlem Muscular Dystrophy; MYOPATHY, BENIGN CONGENITAL, WITH CONTRACTURES; Bethlem myopathy 1. Identifiers: Orphanet 610, MedGen CN029274, MONDO:0024530, OMIM 158810.

Allele frequency attached by ClinVar (database versions not stated): gnomAD exomes below 0.00001.
gnomAD v4.1: 2 of 1,601,130 alleles (0.00012%); highest among the groups gnomAD compares: Non-Finnish European, 0.00017%; no homozygotes.

Submission:

Labcorp Genetics (formerly Invitae), Labcorp
Classification: Uncertain significance for Bethlem myopathy 1A. Last evaluated: 2024-05-20. Review status: criteria provided, single submitter. Criteria: Invitae Variant Classification Sherloc (09022015). Collection method: clinical testing. Allele origin: germline.
Comment: This sequence change replaces isoleucine, which is neutral and non-polar, with threonine, which is neutral and polar, at codon 439 of the COL6A3 protein (p.Ile439Thr). This variant is not present in population databases (gnomAD no frequency). This variant has not been reported in the literature in individuals affected with COL6A3-related conditions. ClinVar contains an entry for this variant (Variation ID: 1063422). Advanced modeling of protein sequence and biophysical properties (such as structural, functional, and spatial information, amino acid conservation, physicochemical variation, residue mobility, and thermodynamic stability) performed at Invitae indicates that this missense variant is not expected to disrupt COL6A3 protein function with a negative predictive value of 95%. In summary, the available evidence is currently insufficient to determine the role of this variant in disease. Therefore, it has been classified as a Variant of Uncertain Significance.

NM_004369.4(COL6A3):c.1316T>C (p.Ile439Thr)

Gene: COL6A3 (collagen type VI alpha 3 chain; minus strand). Cytogenetic location: 2q37.3.
Variant type: single nucleotide variant.
Coding change: c.1316T>C on transcript NM_004369.4 (MANE Select); coding-DNA position 1316, T replaced by C.
Protein change: p.Ile439Thr; replaces isoleucine 439 with threonine.
Molecular consequence: missense variant.
Genome position (GRCh38, 1-based): chr2:237,381,496, A>G on the plus strand (T>C on the coding strand, the complement: COL6A3 is on the minus strand). VCF-style: chr2-237381496-A-G. GRCh37 (hg19) VCF-style: chr2-238290139-A-G.
Other names: c.95T>C, p.Ile32Thr (NM_057164.5, NM_057166.5); c.698T>C, p.Ile233Thr (NM_057165.5, NM_057167.4); short protein forms I233T, I32T, I439T.
Identifiers: ClinVar variation 1063422 (VCV001063422.7), dbSNP rs2106370456, ClinGen allele CA351218447.